The following is an entry in ClinVar:

NM_001386795.1(DTNA):c.657G>T (p.Pro219=)

Gene: DTNA (dystrobrevin alpha; plus strand). Cytogenetic location: 18q12.1.
Variant type: single nucleotide variant.
Coding change: c.657G>T on transcript NM_001386795.1 (MANE Select); coding-DNA position 657, G replaced by T.
Protein change: p.Pro219=; no amino-acid change (proline 219 retained).
Molecular consequence: synonymous variant. On other transcripts: intron variant (1).
Genome position (GRCh38, 1-based): chr18:34,815,962, G>T. VCF-style: chr18-34815962-G-T. GRCh37 (hg19) VCF-style: chr18-32395926-G-T.
Other names: c.657G>T, p.Pro219= (NM_001128175.2, NM_001198938.2, NM_001198939.2 and 34 more transcripts); c.603+3849G>T (NM_001198945.2).
Identifiers: ClinVar variation 380723 (VCV000380723.3), dbSNP rs140446215, ClinGen allele CA16607578.

ClinVar aggregate classification (germline): Likely benign. Review status: criteria provided, multiple submitters, no conflicts (2 of 4 stars). 2 submissions from 2 submitters: Likely benign (2). Last evaluated 2024-08-06.

Conditions:
Left ventricular noncompaction 1 (LVNC1). Also called: LEFT VENTRICULAR NONCOMPACTION 1 WITH OR WITHOUT CONGENITAL HEART DEFECTS. Identifiers: Orphanet 54260, MedGen C1858725, MONDO:0011403, OMIM 604169.

Allele frequency attached by ClinVar (database versions not stated): TOPMed 0.00001.
gnomAD v4.1: 16 of 1,613,622 alleles (0.00099%); highest among the groups gnomAD compares: Non-Finnish European, 0.0013%; no homozygotes.

Submissions (2):

Labcorp Genetics (formerly Invitae), Labcorp
Classification: Likely benign for Left ventricular noncompaction 1. Last evaluated: 2024-08-06. Review status: criteria provided, single submitter. Criteria: Invitae Variant Classification Sherloc (09022015). Collection method: clinical testing. Allele origin: germline.

GeneDx
Classification: Likely benign. Last evaluated: 2015-10-23. Review status: criteria provided, single submitter. Criteria: GeneDx Variant Classification (06012015). Collection method: clinical testing. Allele origin: germline. Affected: yes.
Comment: This variant is considered likely benign or benign based on one or more of the following criteria: it is a conservative change, it occurs at a poorly conserved position in the protein, it is predicted to be benign by multiple in silico algorithms, and/or has population frequency not consistent with disease.